The following is an entry in ClinVar:

NM_000018.4(ACADVL):c.1752-2del

Gene: ACADVL (acyl-CoA dehydrogenase very long chain; plus strand). Cytogenetic location: 17p13.1.
Variant type: Deletion.
Coding change: c.1752-2del on transcript NM_000018.4 (MANE Select); the canonical splice acceptor site of the intron before coding-DNA position 1752, one base deleted (A; older notation c.1752-2delA).
Molecular consequence: splice acceptor variant.
Genome position (GRCh38, 1-based): chr17:7,224,807, A deleted. VCF-style (leftmost placement, unchanged base first): chr17-7224806-CA-C. GRCh37 (hg19) VCF-style: chr17-7128125-CA-C.
Other names: c.1821-2del (NM_001270447.2); c.1524-2del (NM_001270448.2); c.1686-2del (NM_001033859.3).
Identifiers: ClinVar variation 541721 (VCV000541721.7), dbSNP rs1555529044, ClinGen allele CA658798687.

ClinVar aggregate classification (germline): Likely pathogenic (1 of 4 stars; one submission).

Conditions:
Very long chain acyl-CoA dehydrogenase deficiency (ACADVLD). Also called: Very Long-Chain Acyl-Coenzyme A Dehydrogenase Deficiency; VLCAD Deficiency. Identifiers: Orphanet 26793, MedGen C3887523, MONDO:0008723, OMIM 201475.

Submission:

Labcorp Genetics (formerly Invitae), Labcorp
Classification: Likely pathogenic for Very long chain acyl-CoA dehydrogenase deficiency. Last evaluated: 2023-07-24. Review status: criteria provided, single submitter. Criteria: Invitae Variant Classification Sherloc (09022015). Collection method: clinical testing. Allele origin: germline.
Comment: This sequence change affects a splice site in intron 18 of the ACADVL gene. It is expected to disrupt RNA splicing. Variants that disrupt the donor or acceptor splice site typically lead to a loss of protein function (PMID: 16199547), and loss-of-function variants in ACADVL are known to be pathogenic (PMID: 9973285, 11590124). This variant is not present in population databases (gnomAD no frequency). This variant has not been reported in the literature in individuals affected with ACADVL-related conditions. ClinVar contains an entry for this variant (Variation ID: 541721). Algorithms developed to predict the effect of sequence changes on RNA splicing suggest that this variant may disrupt the consensus splice site. In summary, the currently available evidence indicates that the variant is pathogenic, but additional data are needed to prove that conclusively. Therefore, this variant has been classified as Likely Pathogenic.

Literature cited by the submitters: PubMed 16199547; PubMed 9973285; PubMed 11590124.